The following is an entry in ClinVar:

NM_000130.5(F5):c.2773A>G (p.Lys925Glu)

Gene: F5 (coagulation factor V; minus strand). Cytogenetic location: 1q24.2.
Variant type: single nucleotide variant.
Coding change: c.2773A>G on transcript NM_000130.5 (MANE Select); coding-DNA position 2773, A replaced by G.
Protein change: p.Lys925Glu; replaces lysine 925 with glutamic acid.
Molecular consequence: missense variant.
Genome position (GRCh38, 1-based): chr1:169,542,317, T>C on the plus strand (A>G on the coding strand, the complement: F5 is on the minus strand). VCF-style: chr1-169542317-T-C. GRCh37 (hg19) VCF-style: chr1-169511555-T-C.
Other names: short protein forms K925E.
Identifiers: ClinVar variation 255202 (VCV000255202.19), dbSNP rs6032, ClinGen allele CA1234031.

ClinVar aggregate classification (germline): Benign/Likely benign. Review status: criteria provided, multiple submitters, no conflicts (2 of 4 stars). 10 submissions from 8 submitters: Benign (7); Likely benign (1). 2 of the submissions do not count toward it. Last evaluated 2026-02-04.

Conditions:
Congenital factor V deficiency. Also called: LABILE FACTOR DEFICIENCY; OWREN PARAHEMOPHILIA; PARAHEMOPHILIA; Hereditary factor V deficiency disease. Identifiers: Orphanet 326, MedGen C0015499, MONDO:0009210, OMIM 227400.
Thrombophilia due to thrombin defect (THPH1). Also called: Thrombosis susceptibility; THROMBOPHILIA DUE TO FACTOR 2 DEFECT; Prothrombin-Related Thrombophilia (Factor II); Prothrombin Thrombophilia. Identifiers: MedGen C3160733, MONDO:0008559, OMIM 188050. Disease mechanism: gain of function, loss of function.
Budd-Chiari syndrome (BDCHS). Also called: Hepatic vein obstruction. Identifiers: Orphanet 131, MedGen C0856761, MONDO:0010947, OMIM 600880, HP:0002639.
Factor V deficiency. Also called: Reduced coagulation factor V activity. Identifiers: Orphanet 326, MedGen C4317320, MONDO:0020586, HP:0003225.

Allele frequency attached by ClinVar (database versions not stated): gnomAD 0.24133 and 0.24537; ESP Exome Variant Server 0.24350; TOPMed 0.25419; 1000 Genomes Project 30x 0.25999; 1000 Genomes Project 0.26278; gnomAD exomes 0.27212 and 0.27851; ExAC 0.27366.
gnomAD v4.1: 434,559 of 1,613,780 alleles (27%); highest among the groups gnomAD compares: Admixed American, 39%; 60,109 homozygotes.

Submissions (10):

Labcorp Genetics (formerly Invitae), Labcorp
Classification: Benign for Congenital factor V deficiency. Last evaluated: 2026-02-04. Review status: criteria provided, single submitter. Criteria: Invitae Variant Classification Sherloc (09022015). Collection method: clinical testing. Allele origin: germline.

Mayo Clinic Laboratories, Mayo Clinic
Classification: Benign. Last evaluated: 2022-01-13. Review status: criteria provided, single submitter. Criteria: ACMG Guidelines, 2015. Collection method: clinical testing. Allele origin: germline. Observed: 100 variant alleles.

GeneDx
Classification: Benign. Last evaluated: 2018-11-11. Review status: criteria provided, single submitter. Criteria: GeneDx Variant Classification Process June 2021. Collection method: clinical testing. Allele origin: germline. Affected: yes.

Illumina Laboratory Services, Illumina
Classification: Benign for Budd-Chiari syndrome. Last evaluated: 2018-01-13. Review status: criteria provided, single submitter. Criteria: ICSL Variant Classification Criteria 13 December 2019. Collection method: clinical testing. Allele origin: germline.
Comment: This variant was observed in the ICSL laboratory as part of a predisposition screen in an ostensibly healthy population. It had not been previously curated by ICSL or reported in the Human Gene Mutation Database (HGMD: prior to June 1st, 2018), and was therefore a candidate for classification through an automated scoring system. Utilizing variant allele frequency, disease prevalence and penetrance estimates, and inheritance mode, an automated score was calculated to assess if this variant is too frequent to cause the disease. Based on the score and internal cut-off values, a variant classified as benign is not then subjected to further curation. The score for this variant resulted in a classification of benign for this disease.

Illumina Laboratory Services, Illumina
Classification: Benign for Venous thrombosis. Last evaluated: 2018-01-13. Review status: criteria provided, single submitter. Criteria: ICSL Variant Classification Criteria 13 December 2019. Collection method: clinical testing. Allele origin: germline.
Comment: the same text as in the submission from Illumina Laboratory Services, Illumina above.

Illumina Laboratory Services, Illumina
Classification: Benign for Congenital factor V deficiency. Last evaluated: 2018-01-13. Review status: criteria provided, single submitter. Criteria: ICSL Variant Classification Criteria 13 December 2019. Collection method: clinical testing. Allele origin: germline.
Comment: the same text as in the submission from Illumina Laboratory Services, Illumina above.

Breakthrough Genomics
Classification: Likely benign. Review status: criteria provided, single submitter. Criteria: ACMG Guidelines, 2015. Collection method: not provided. Allele origin: germline. Inheritance: Autosomal recessive inheritance. Affected: yes.

PreventionGenetics, part of Exact Sciences
Classification: Benign. Review status: criteria provided, single submitter. Criteria: ACMG Guidelines, 2015. Collection method: clinical testing. Allele origin: germline.

Diagnostic Laboratory, Department of Genetics, University Medical Center Groningen
Classification: Benign. Review status: no assertion criteria provided. Collection method: clinical testing. Allele origin: germline. Affected: yes. Study: VKGL Data-share Consensus. Not counted in ClinVar's aggregate classification.

Joint Genome Diagnostic Labs from Nijmegen and Maastricht, Radboudumc and MUMC+
Classification: Benign. Review status: no assertion criteria provided. Collection method: clinical testing. Allele origin: germline. Affected: yes. Study: VKGL Data-share Consensus. Not counted in ClinVar's aggregate classification.